The following is an entry in ClinVar:

NM_170606.3(KMT2C):c.824A>C (p.Lys275Thr)

Gene: KMT2C (lysine methyltransferase 2C; minus strand). Cytogenetic location: 7q36.1.
Variant type: single nucleotide variant.
Coding change: c.824A>C on transcript NM_170606.3 (MANE Select); coding-DNA position 824, A replaced by C.
Protein change: p.Lys275Thr; replaces lysine 275 with threonine.
Molecular consequence: missense variant.
Genome position (GRCh38, 1-based): chr7:152,309,991, T>G on the plus strand (A>C on the coding strand, the complement: KMT2C is on the minus strand). VCF-style: chr7-152309991-T-G. GRCh37 (hg19) VCF-style: chr7-152007076-T-G.
Other names: short protein forms K275T.
Identifiers: ClinVar variation 3375762 (VCV003375762.1).

ClinVar aggregate classification (germline): Uncertain significance (1 of 4 stars; one submission).

gnomAD v4.1: 1 of 1,612,460 alleles (0.000062%); highest among the groups gnomAD compares: Admixed American, 0.0017%; no homozygotes.

Submission:

GeneDx
Classification: Uncertain significance. Last evaluated: 2024-05-10. Review status: criteria provided, single submitter. Criteria: GeneDx Variant Classification Process June 2021. Collection method: clinical testing. Allele origin: germline. Affected: yes.
Comment: Not observed at significant frequency in large population cohorts (gnomAD); In silico analysis supports that this missense variant has a deleterious effect on protein structure/function; Has not been previously published as pathogenic or benign to our knowledge